The following is an entry in ClinVar:

NM_003051.4(SLC16A1):c.1470T>A (p.Asp490Glu)

Gene: SLC16A1 (solute carrier family 16 member 1; minus strand). Cytogenetic location: 1p13.2.
Variant type: single nucleotide variant.
Coding change: c.1470T>A on transcript NM_003051.4 (MANE Select); coding-DNA position 1470, T replaced by A.
Protein change: p.Asp490Glu; replaces aspartic acid 490 with glutamic acid.
Molecular consequence: missense variant.
Genome position (GRCh38, 1-based): chr1:112,913,924, A>T on the plus strand (T>A on the coding strand, the complement: SLC16A1 is on the minus strand). VCF-style: chr1-112913924-A-T. GRCh37 (hg19) VCF-style: chr1-113456546-A-T.
Other names: c.1470T>A, p.Asp490Glu (NM_001166496.2); short protein forms D490E.
Identifiers: ClinVar variation 130315 (VCV000130315.25), dbSNP rs1049434, ClinGen allele CA155208.

ClinVar aggregate classification (germline): Benign. Review status: criteria provided, multiple submitters, no conflicts (2 of 4 stars). 13 submissions from 11 submitters: Benign (11). 2 of the submissions do not count toward it. Last evaluated 2026-02-04.

Conditions:
Ketoacidosis due to monocarboxylate transporter-1 deficiency. Also called: Monocarboxylate transporter 1 deficiency. Identifiers: Orphanet 438075, MedGen C4015186, MONDO:0014490, OMIM 616095.
Metabolic myopathy due to lactate transporter defect. Also called: LACTATE TRANSPORTER DEFECT, MYOPATHY DUE TO. Identifiers: Orphanet 171690, MedGen C1855577, MONDO:0009501, OMIM 245340.
Exercise-induced hyperinsulinism (HHF7). Identifiers: Orphanet 165991, MedGen C1864902, MONDO:0012396, OMIM 610021.

Allele frequency attached by ClinVar (database versions not stated): gnomAD exomes 0.57427 and 0.59166; ExAC 0.59721; gnomAD 0.65534 and 0.66103; TOPMed 0.66204; ESP Exome Variant Server 0.66623; 1000 Genomes Project 0.67672; 1000 Genomes Project 30x 0.67989.
gnomAD v4.1: 940,051 of 1,613,802 alleles (58%); highest among the groups gnomAD compares: African/African-American, 86%; 278,152 homozygotes.

Submissions (13):

Labcorp Genetics (formerly Invitae), Labcorp
Classification: Benign. Last evaluated: 2026-02-04. Review status: criteria provided, single submitter. Criteria: Invitae Variant Classification Sherloc (09022015). Collection method: clinical testing. Allele origin: germline.

Blueprint Genetics
Classification: Benign. Last evaluated: 2024-11-26. Review status: criteria provided, single submitter. Criteria: ACMG Guidelines, 2015. Collection method: clinical testing. Allele origin: germline.

Mayo Clinic Laboratories, Mayo Clinic
Classification: Benign. Last evaluated: 2023-10-27. Review status: criteria provided, single submitter. Criteria: ACMG Guidelines, 2015. Collection method: clinical testing. Allele origin: germline. Observed: 235 variant alleles.
Comment: BA1, BP4

Genome-Nilou Lab
Classification: Benign for Metabolic myopathy due to lactate transporter defect. Last evaluated: 2021-07-15. Review status: criteria provided, single submitter. Criteria: ACMG Guidelines, 2015. Collection method: clinical testing. Allele origin: germline. Affected: no.

Genome-Nilou Lab
Classification: Benign for Exercise-induced hyperinsulinism. Last evaluated: 2021-07-15. Review status: criteria provided, single submitter. Criteria: ACMG Guidelines, 2015. Collection method: clinical testing. Allele origin: germline. Affected: no.

Genome-Nilou Lab
Classification: Benign for Ketoacidosis due to monocarboxylate transporter-1 deficiency. Last evaluated: 2021-07-15. Review status: criteria provided, single submitter. Criteria: ACMG Guidelines, 2015. Collection method: clinical testing. Allele origin: germline. Affected: no.

GeneDx
Classification: Benign. Last evaluated: 2018-11-12. Review status: criteria provided, single submitter. Criteria: GeneDx Variant Classification Process June 2021. Collection method: clinical testing. Allele origin: germline. Affected: yes.
Comment: This variant is associated with the following publications: (PMID: 26595136)

Illumina Laboratory Services, Illumina
Classification: Benign for Exercise-induced hyperinsulinism. Last evaluated: 2018-01-13. Review status: criteria provided, single submitter. Criteria: ICSL Variant Classification Criteria 13 December 2019. Collection method: clinical testing. Allele origin: germline.
Comment: This variant was observed in the ICSL laboratory as part of a predisposition screen in an ostensibly healthy population. It had not been previously curated by ICSL or reported in the Human Gene Mutation Database (HGMD: prior to June 1st, 2018), and was therefore a candidate for classification through an automated scoring system. Utilizing variant allele frequency, disease prevalence and penetrance estimates, and inheritance mode, an automated score was calculated to assess if this variant is too frequent to cause the disease. Based on the score and internal cut-off values, a variant classified as benign is not then subjected to further curation. The score for this variant resulted in a classification of benign for this disease.

Genetic Services Laboratory, University of Chicago
Classification: Benign for AllHighlyPenetrant. Last evaluated: 2013-02-25. Review status: criteria provided, single submitter. Criteria: ACMG Guidelines, 2007. Collection method: clinical testing. Allele origin: germline. Inheritance: Autosomal dominant inheritance.

Breakthrough Genomics
Classification: Benign. Review status: criteria provided, single submitter. Criteria: ACMG Guidelines, 2015. Collection method: not provided. Allele origin: germline. Inheritance: Autosomal recessive inheritance. Affected: yes.

PreventionGenetics, part of Exact Sciences
Classification: Benign. Review status: criteria provided, single submitter. Criteria: ACMG Guidelines, 2015. Collection method: clinical testing. Allele origin: germline.

Genome Diagnostics Laboratory, University Medical Center Utrecht
Classification: Benign. Review status: no assertion criteria provided. Collection method: clinical testing. Allele origin: germline. Affected: yes. Study: VKGL Data-share Consensus. Not counted in ClinVar's aggregate classification.

Joint Genome Diagnostic Labs from Nijmegen and Maastricht, Radboudumc and MUMC+
Classification: Benign. Review status: no assertion criteria provided. Collection method: clinical testing. Allele origin: germline. Affected: yes. Study: VKGL Data-share Consensus. Not counted in ClinVar's aggregate classification.